The following is an entry in ClinVar:

NM_170707.4(LMNA):c.514-111C>T

Gene: LMNA (lamin A/C; plus strand). Cytogenetic location: 1q22.
Variant type: single nucleotide variant.
Coding change: c.514-111C>T on transcript NM_170707.4 (MANE Select); 111 bases into the intron before coding-DNA position 514, C replaced by T.
Molecular consequence: intron variant.
Genome position (GRCh38, 1-based): chr1:156,134,292, C>T. VCF-style: chr1-156134292-C-T. GRCh37 (hg19) VCF-style: chr1-156104083-C-T.
Other names: c.514-111C>T (NM_001282625.2, NM_001282626.2, NM_170708.4 and 1 more transcripts); c.178-111C>T (NM_001257374.3); c.271-111C>T (NM_001282624.2).
Identifiers: ClinVar variation 675321 (VCV000675321.2), dbSNP rs78499673, ClinGen allele CA31010769.

ClinVar aggregate classification (germline): Benign. Review status: criteria provided, multiple submitters, no conflicts (2 of 4 stars). 2 submissions from 2 submitters: Benign (2). Last evaluated 2018-06-16.

Allele frequency attached by ClinVar (database versions not stated): gnomAD 0.02407 and 0.02565; 1000 Genomes Project 0.02636; TOPMed 0.02760; 1000 Genomes Project 30x 0.02780.
gnomAD v4.1: 6,570 of 1,243,730 alleles (0.53%); highest among the groups gnomAD compares: African/African-American, 8.6%; 276 homozygotes.

Submissions (2):

GeneDx
Classification: Benign. Last evaluated: 2018-06-16. Review status: criteria provided, single submitter. Criteria: GeneDx Variant Classification (06012015). Collection method: clinical testing. Allele origin: germline. Affected: yes.
Comment: This variant is considered likely benign or benign based on one or more of the following criteria: it is a conservative change, it occurs at a poorly conserved position in the protein, it is predicted to be benign by multiple in silico algorithms, and/or has population frequency not consistent with disease.

Breakthrough Genomics
Classification: Benign. Review status: criteria provided, single submitter. Criteria: ACMG Guidelines, 2015. Collection method: not provided. Allele origin: germline. Inheritance: Autosomal recessive inheritance. Affected: yes.